The following is an entry in ClinVar:

ClinVar aggregate classification (germline): Uncertain significance. Review status: criteria provided, multiple submitters, no conflicts (2 of 4 stars). 3 submissions from 3 submitters: Uncertain significance (3). Last evaluated 2024-09-02.

Conditions:
Inborn genetic diseases. Identifiers: MedGen C0950123, MeSH D030342.

Allele frequency attached by ClinVar (database versions not stated): gnomAD 0.00005 and 0.00006; gnomAD exomes 0.00007 and 0.00009; TOPMed 0.00008; ExAC 0.00009.

Submissions (3):

Ambry Genetics
Classification: Uncertain significance for Inborn genetic diseases. Last evaluated: 2024-09-02. Review status: criteria provided, single submitter. Criteria: Ambry Variant Classification Scheme 2023. Collection method: clinical testing. Allele origin: germline.

Labcorp Genetics (formerly Invitae), Labcorp
Classification: Uncertain significance. Last evaluated: 2023-10-03. Review status: criteria provided, single submitter. Criteria: Invitae Variant Classification Sherloc (09022015). Collection method: clinical testing. Allele origin: germline.
Comment: This sequence change replaces proline, which is neutral and non-polar, with leucine, which is neutral and non-polar, at codon 275 of the RNF168 protein (p.Pro275Leu). This variant is present in population databases (rs565819488, gnomAD 0.03%). This variant has not been reported in the literature in individuals affected with RNF168-related conditions. ClinVar contains an entry for this variant (Variation ID: 1492064). An algorithm developed to predict the effect of missense changes on protein structure and function (PolyPhen-2) suggests that this variant is likely to be disruptive. In summary, the available evidence is currently insufficient to determine the role of this variant in disease. Therefore, it has been classified as a Variant of Uncertain Significance.

Breakthrough Genomics
Classification: Uncertain significance. Review status: criteria provided, single submitter. Criteria: ACMG Guidelines, 2015. Collection method: not provided. Allele origin: germline. Inheritance: Autosomal recessive inheritance. Affected: yes.

NM_152617.4(RNF168):c.824C>T (p.Pro275Leu)

Gene: RNF168 (ring finger protein 168; minus strand). Cytogenetic location: 3q29.
Variant type: single nucleotide variant.
Coding change: c.824C>T on transcript NM_152617.4 (MANE Select); coding-DNA position 824, C replaced by T.
Protein change: p.Pro275Leu; replaces proline 275 with leucine.
Molecular consequence: missense variant.
Genome position (GRCh38, 1-based): chr3:196,472,711, G>A on the plus strand (C>T on the coding strand, the complement: RNF168 is on the minus strand). VCF-style: chr3-196472711-G-A. GRCh37 (hg19) VCF-style: chr3-196199582-G-A.
Other names: c.824C>T (NM_152617.3); short protein forms P275L.
Identifiers: ClinVar variation 1492064 (VCV001492064.6), dbSNP rs565819488, ClinGen allele CA2780793.
Genomic context (GRCh38, chr3:196,472,711, plus strand): 5'-TCTATTGAAGAATCTGCACCTTGTTCTCCAACTCCAAGGGATATCTGTGGAGAAAGTGTC[G>A]GCATATCTTCTATTTCTGTGTCTTGCCCTGTTGGGCTTTTCCTATCACTACTGTCAATGT-3'
Protein context (NP_689830.2, residues 265-285): TGQDTEIEDM[Pro275Leu]TLSPQISLGV